The following is an entry in ClinVar:

NM_001370595.2(COA8):c.20G>A (p.Gly7Glu)

Gene: COA8 (cytochrome c oxidase assembly factor 8; plus strand). Cytogenetic location: 14q32.33.
Variant type: single nucleotide variant.
Coding change: c.20G>A on transcript NM_001370595.2 (MANE Select); coding-DNA position 20, G replaced by A.
Protein change: p.Gly7Glu; replaces glycine 7 with glutamic acid.
Molecular consequence: missense variant. On other transcripts: non-coding transcript variant (2).
Genome position (GRCh38, 1-based): chr14:103,563,021, G>A. VCF-style: chr14-103563021-G-A. GRCh37 (hg19) VCF-style: chr14-104029358-G-A.
Other names: c.20G>A, p.Gly7Glu (NM_001302653.2, NM_001302654.2); c.59G>A, p.Gly20Glu (NM_032374.4); short protein forms G7E, G20E.
Identifiers: ClinVar variation 2062205 (VCV002062205.1), dbSNP rs1398826776, ClinGen allele CA391111203.
Genomic context (GRCh38, chr14:103,563,021, plus strand): 5'-CAATGCTGCCGTGCGCCGCGGGAGCCAGGGGGCGTGGGGCCATGGTGGTCTTGCGGGCGG[G>A]GAAGAAGACCTTTCTCCCCCCTCTCTGCCGCGCCTTCGCCTGCCGCGGCTGTCAACTCGC-3'
Protein context (NP_001357524.1, residues 1-17): MVVLRA[Gly7Glu]KKTFLPPLCR

ClinVar aggregate classification (germline): Uncertain significance (1 of 4 stars; one submission).

Allele frequency attached by ClinVar (database versions not stated): gnomAD 0.00001; TOPMed 0.00001.
gnomAD v4.1: 2 of 1,557,246 alleles (0.00013%); highest among the groups gnomAD compares: African/African-American, 0.0014%; no homozygotes.

Submission:

Labcorp Genetics (formerly Invitae), Labcorp
Classification: Uncertain significance. Last evaluated: 2022-07-12. Review status: criteria provided, single submitter. Criteria: Invitae Variant Classification Sherloc (09022015). Collection method: clinical testing. Allele origin: germline.
Comment: This sequence change replaces glycine, which is neutral and non-polar, with glutamic acid, which is acidic and polar, at codon 20 of the APOPT1 protein (p.Gly20Glu). This variant is not present in population databases (gnomAD no frequency). This variant has not been reported in the literature in individuals affected with APOPT1-related conditions. Algorithms developed to predict the effect of missense changes on protein structure and function (SIFT, PolyPhen-2, Align-GVGD) all suggest that this variant is likely to be tolerated. In summary, the available evidence is currently insufficient to determine the role of this variant in disease. Therefore, it has been classified as a Variant of Uncertain Significance.